The following is an entry in ClinVar:

ClinVar aggregate classification (germline): Uncertain significance. Review status: criteria provided, multiple submitters, no conflicts (2 of 4 stars). 2 submissions from 2 submitters: Uncertain significance (2). Last evaluated 2025-04-15.

Conditions:
Inborn genetic diseases. Identifiers: MedGen C0950123, MeSH D030342.
Larsen-like syndrome, B3GAT3 type. Also called: Multiple joint dislocations, short stature, craniofacial dysmorphism, with or without congenital heart defects; MULTIPLE JOINT DISLOCATIONS, SHORT STATURE, AND CRANIOFACIAL DYSMORPHISM WITH OR WITHOUT CONGENITAL HEART DEFECTS. Identifiers: Orphanet 284139, MedGen CN034159, MONDO:0009511, OMIM 245600.

Allele frequency attached by ClinVar (database versions not stated): ExAC 0.00001; gnomAD exomes 0.00001.
gnomAD v4.1: 12 of 1,613,216 alleles (0.00074%); highest among the groups gnomAD compares: East Asian, 0.0067%; no homozygotes.

Submissions (2):

Ambry Genetics
Classification: Uncertain significance for Inborn genetic diseases. Last evaluated: 2025-04-15. Review status: criteria provided, single submitter. Criteria: Ambry Variant Classification Scheme 2023. Collection method: clinical testing. Allele origin: germline.

Labcorp Genetics (formerly Invitae), Labcorp
Classification: Uncertain significance for Larsen-like syndrome, B3GAT3 type. Last evaluated: 2021-11-13. Review status: criteria provided, single submitter. Criteria: Invitae Variant Classification Sherloc (09022015). Collection method: clinical testing. Allele origin: germline.
Comment: Algorithms developed to predict the effect of missense changes on protein structure and function are either unavailable or do not agree on the potential impact of this missense change (SIFT: "Deleterious"; PolyPhen-2: "Benign"; Align-GVGD: "Class C0"). This sequence change replaces proline, which is neutral and non-polar, with leucine, which is neutral and non-polar, at codon 119 of the B3GAT3 protein (p.Pro119Leu). This variant is present in population databases (rs746566185, gnomAD 0.007%). This variant has not been reported in the literature in individuals affected with B3GAT3-related conditions. In summary, the available evidence is currently insufficient to determine the role of this variant in disease. Therefore, it has been classified as a Variant of Uncertain Significance.

NM_012200.4(B3GAT3):c.356C>T (p.Pro119Leu)

Gene: B3GAT3 (beta-1,3-glucuronyltransferase 3; minus strand). Cytogenetic location: 11q12.3.
Variant type: single nucleotide variant.
Coding change: c.356C>T on transcript NM_012200.4 (MANE Select); coding-DNA position 356, C replaced by T.
Protein change: p.Pro119Leu; replaces proline 119 with leucine.
Molecular consequence: missense variant. On other transcripts: non-coding transcript variant (1).
Genome position (GRCh38, 1-based): chr11:62,617,249, G>A on the plus strand (C>T on the coding strand, the complement: B3GAT3 is on the minus strand). VCF-style: chr11-62617249-G-A. GRCh37 (hg19) VCF-style: chr11-62384721-G-A.
Other names: c.356C>T (NM_012200.3); c.335C>T, p.Pro112Leu (NM_001288721.2); c.356C>T, p.Pro119Leu (NM_001288722.2, NM_001288723.2); short protein forms P112L, P119L.
Identifiers: ClinVar variation 1399370 (VCV001399370.5), dbSNP rs746566185, ClinGen allele CA6050136.